The following is an entry in ClinVar:

ClinVar aggregate classification (germline): Uncertain significance. Review status: criteria provided, multiple submitters, no conflicts (2 of 4 stars). 9 submissions from 8 submitters: Uncertain significance (8). 1 of the submissions does not count toward it. Last evaluated 2024-05-14.

Conditions:
Cardiovascular phenotype. Identifiers: MedGen CN230736.
Walker-Warburg congenital muscular dystrophy. Also called: Muscular dystrophy-dystroglycanopathy, type A; Walker-Warburg syndrome. Identifiers: Orphanet 899, MedGen C0265221, MONDO:0000171.
Muscular dystrophy-dystroglycanopathy (congenital with brain and eye anomalies), type A, 4 (MDDGA4). Also called: Fukuyama congenital muscular dystrophy; Walker-Warburg Syndrome, Fktn-Related; WALKER-WARBURG SYNDROME OR MUSCLE-EYE-BRAIN DISEASE, FKTN-RELATED; Muscular dystrophy, congenital progressive, with mental retardation; Muscular dystrophy, congenital, with central nervous system involvement; Cerebromuscular dystrophy, Fukuyama type. Identifiers: Orphanet 272, Orphanet 588, Orphanet 899, MedGen C0410174, MONDO:0009678, OMIM 253800.
Dilated cardiomyopathy 1X (CMD1X). Also called: CARDIOMYOPATHY, DILATED, WITH MILD OR NO PROXIMAL MUSCLE WEAKNESS; FKTN-Related Dilated Cardiomyopathy. Identifiers: Orphanet 154, MedGen C1969024, MONDO:0012704, OMIM 611615.

Allele frequency attached by ClinVar (database versions not stated): gnomAD 0.00001 and 0.00003; gnomAD exomes 0.00002; TOPMed 0.00002; ExAC 0.00003; 1000 Genomes Project 30x 0.00047; 1000 Genomes Project 0.00060.
gnomAD v4.1: 42 of 1,613,586 alleles (0.0026%); highest among the groups gnomAD compares: South Asian, 0.031%; no homozygotes.

Submissions (9):

ARUP Laboratories, Molecular Genetics and Genomics, ARUP Laboratories
Classification: Uncertain significance. Last evaluated: 2024-05-14. Review status: criteria provided, single submitter. Criteria: ARUP Molecular Germline Variant Investigation Process 2024. Collection method: clinical testing. Allele origin: germline.

GeneDx
Classification: Uncertain significance. Last evaluated: 2024-05-06. Review status: criteria provided, single submitter. Criteria: GeneDx Variant Classification Process June 2021. Collection method: clinical testing. Allele origin: germline. Affected: yes.
Comment: Not observed at significant frequency in large population cohorts (gnomAD); In silico analysis supports that this missense variant has a deleterious effect on protein structure/function; Has not been previously published as pathogenic or benign to our knowledge; This variant is associated with the following publications: (PMID: 35026164)

Ambry Genetics
Classification: Uncertain significance for Cardiovascular phenotype. Last evaluated: 2023-11-08. Review status: criteria provided, single submitter. Criteria: Ambry Variant Classification Scheme 2023. Collection method: clinical testing. Allele origin: germline.
Comment: The p.G149R variant (also known as c.445G>A), located in coding exon 4 of the FKTN gene, results from a G to A substitution at nucleotide position 445. The glycine at codon 149 is replaced by arginine, an amino acid with dissimilar properties. This alteration has been reported in a pediatric cardiomyopathy cohort (Ware SM et al. Am J Hum Genet, 2022 Feb;109:282-298). This amino acid position is well conserved in available vertebrate species. In addition, the in silico prediction for this alteration is inconclusive. Since supporting evidence is limited at this time, the clinical significance of this alteration remains unclear.

Revvity Omics, Revvity
Classification: Uncertain significance. Last evaluated: 2023-02-06. Review status: criteria provided, single submitter. Criteria: ACMG Guidelines, 2015. Collection method: clinical testing. Allele origin: germline.

Labcorp Genetics (formerly Invitae), Labcorp
Classification: Uncertain significance for Walker-Warburg congenital muscular dystrophy. Last evaluated: 2022-08-22. Review status: criteria provided, single submitter. Criteria: Invitae Variant Classification Sherloc (09022015). Collection method: clinical testing. Allele origin: germline.
Comment: This sequence change replaces glycine, which is neutral and non-polar, with arginine, which is basic and polar, at codon 149 of the FKTN protein (p.Gly149Arg). This variant is present in population databases (rs200686690, gnomAD 0.006%). This variant has not been reported in the literature in individuals affected with FKTN-related conditions. ClinVar contains an entry for this variant (Variation ID: 501810). Algorithms developed to predict the effect of missense changes on protein structure and function (SIFT, PolyPhen-2, Align-GVGD) all suggest that this variant is likely to be tolerated. In summary, the available evidence is currently insufficient to determine the role of this variant in disease. Therefore, it has been classified as a Variant of Uncertain Significance.

Illumina Laboratory Services, Illumina
Classification: Uncertain significance for Muscular dystrophy-dystroglycanopathy (congenital with brain and eye anomalies), type A, 4. Last evaluated: 2018-01-12. Review status: criteria provided, single submitter. Criteria: ICSL Variant Classification Criteria 13 December 2019. Collection method: clinical testing. Allele origin: germline.

Illumina Laboratory Services, Illumina
Classification: Uncertain significance for Dilated cardiomyopathy 1X. Last evaluated: 2018-01-12. Review status: criteria provided, single submitter. Criteria: ICSL Variant Classification Criteria 13 December 2019. Collection method: clinical testing. Allele origin: germline.

Eurofins Ntd Llc (ga)
Classification: Uncertain significance. Last evaluated: 2017-05-04. Review status: criteria provided, single submitter. Criteria: EGL Classification Definitions 2015. Collection method: clinical testing. Allele origin: germline. Observed: 1 variant allele, 1 heterozygote.

Natera, Inc.
Classification: Uncertain significance for Walker-Warburg congenital muscular dystrophy. Last evaluated: 2019-10-28. Review status: no assertion criteria provided. Collection method: clinical testing. Allele origin: germline. Not counted in ClinVar's aggregate classification.

Literature cited by the submitters: PubMed 35026164 (cited by Ambry Genetics).

NM_001079802.2(FKTN):c.445G>A (p.Gly149Arg)

Gene: FKTN (fukutin; plus strand). Cytogenetic location: 9q31.2.
Variant type: single nucleotide variant.
Coding change: c.445G>A on transcript NM_001079802.2 (MANE Select); coding-DNA position 445, G replaced by A.
Protein change: p.Gly149Arg; replaces glycine 149 with arginine.
Molecular consequence: missense variant. On other transcripts: non-coding transcript variant (2).
Genome position (GRCh38, 1-based): chr9:105,604,290, G>A. VCF-style: chr9-105604290-G-A. GRCh37 (hg19) VCF-style: chr9-108366571-G-A.
Other names: c.445G>A, p.Gly149Arg (NM_001198963.2, NM_001351496.2, NM_001351498.2 and 1 more transcripts); c.376G>A, p.Gly126Arg (NM_001351497.2); c.49G>A, p.Gly17Arg (NM_001351499.2, NM_001351500.2, NM_001351501.2 and 1 more transcripts); short protein forms G149R, G126R, G17R.
Identifiers: ClinVar variation 501810 (VCV000501810.20), dbSNP rs200686690, ClinGen allele CA5170415.